The following is an entry in ClinVar:

NM_000321.3(RB1):c.150A>T (p.Glu50Asp)

Gene: RB1 (RB transcriptional corepressor 1; plus strand). Cytogenetic location: 13q14.2.
Variant type: single nucleotide variant.
Coding change: c.150A>T on transcript NM_000321.3 (MANE Select); coding-DNA position 150, A replaced by T.
Protein change: p.Glu50Asp; replaces glutamic acid 50 with aspartic acid.
Molecular consequence: missense variant.
Genome position (GRCh38, 1-based): chr13:48,307,292, A>T. VCF-style: chr13-48307292-A-T. GRCh37 (hg19) VCF-style: chr13-48881428-A-T.
Other names: short protein forms E50D.
Identifiers: ClinVar variation 819415 (VCV000819415.10), dbSNP rs1330924197, ClinGen allele CA388250448.

ClinVar aggregate classification (germline): Conflicting classifications of pathogenicity. Review status: criteria provided, conflicting classifications (1 of 4 stars). 2 submissions from 2 submitters: Uncertain significance (1); Likely benign (1). Last evaluated 2025-12-22.

Conditions:
Hereditary cancer-predisposing syndrome. Also called: Tumor predisposition; Neoplastic Syndromes, Hereditary; Hereditary Cancer Syndrome; Hereditary neoplastic syndrome. Identifiers: Orphanet 140162, MedGen C0027672, MeSH D009386, MONDO:0015356.
Retinoblastoma (RB1). Also called: RETINOBLASTOMA, SOMATIC. Identifiers: Orphanet 790, MedGen C0035335, MeSH D012175, MONDO:0008380, OMIM 180200, HP:0009919. Disease mechanism: loss of function. Inheritance: Both sporadic and heritable forms are tested..

Allele frequency attached by ClinVar (database versions not stated): TOPMed below 0.00001; gnomAD 0.00001.
gnomAD v4.1: 2 of 1,606,968 alleles (0.00012%); highest among the groups gnomAD compares: African/African-American, 0.0027%; no homozygotes.

Submissions (2):

Ambry Genetics
Classification: Likely benign for Hereditary cancer-predisposing syndrome. Last evaluated: 2025-12-22. Review status: criteria provided, single submitter. Criteria: Ambry Variant Classification Scheme 2023. Collection method: clinical testing. Allele origin: germline.

Labcorp Genetics (formerly Invitae), Labcorp
Classification: Uncertain significance for Retinoblastoma. Last evaluated: 2024-02-06. Review status: criteria provided, single submitter. Criteria: Invitae Variant Classification Sherloc (09022015). Collection method: clinical testing. Allele origin: germline.
Comment: This sequence change replaces glutamic acid, which is acidic and polar, with aspartic acid, which is acidic and polar, at codon 50 of the RB1 protein (p.Glu50Asp). This variant is present in population databases (no rsID available, gnomAD 0.01%). This variant has not been reported in the literature in individuals affected with RB1-related conditions. ClinVar contains an entry for this variant (Variation ID: 819415). Advanced modeling of protein sequence and biophysical properties (such as structural, functional, and spatial information, amino acid conservation, physicochemical variation, residue mobility, and thermodynamic stability) has been performed at Invitae for this missense variant, however the output from this modeling did not meet the statistical confidence thresholds required to predict the impact of this variant on RB1 protein function. In summary, the available evidence is currently insufficient to determine the role of this variant in disease. Therefore, it has been classified as a Variant of Uncertain Significance.